The following is an entry in ClinVar:

NM_001379200.1(TBX1):c.1461G>A (p.Met487Ile)

Gene: TBX1 (T-box transcription factor 1; plus strand). Cytogenetic location: 22q11.21.
Variant type: single nucleotide variant.
Coding change: c.1461G>A on transcript NM_001379200.1 (MANE Select); coding-DNA position 1461, G replaced by A.
Protein change: p.Met487Ile; replaces methionine 487 with isoleucine.
Molecular consequence: missense variant. On other transcripts: intron variant (2).
Genome position (GRCh38, 1-based): chr22:19,766,813, G>A. VCF-style: chr22-19766813-G-A. GRCh37 (hg19) VCF-style: chr22-19754336-G-A.
Other names: c.1434G>A, p.Met478Ile (NM_080647.1); c.1009+811G>A (NM_005992.1, NM_080646.2); short protein forms M478I, M487I.
Identifiers: ClinVar variation 659809 (VCV000659809.10), dbSNP rs371506174, ClinGen allele CA410685618.

ClinVar aggregate classification (germline): Uncertain significance (1 of 4 stars; one submission).

Conditions:
DiGeorge syndrome. Also called: Catch22; THIRD AND FOURTH PHARYNGEAL POUCH SYNDROME. Identifiers: Orphanet 567, MedGen C0012236, MONDO:0008564, OMIM 188400.

Submission:

Labcorp Genetics (formerly Invitae), Labcorp
Classification: Uncertain significance for DiGeorge syndrome. Last evaluated: 2019-07-15. Review status: criteria provided, single submitter. Criteria: Invitae Variant Classification Sherloc (09022015). Collection method: clinical testing. Allele origin: germline.
Comment: This sequence change replaces methionine with isoleucine at codon 478 of the TBX1 protein (p.Met478Ile). The methionine residue is moderately conserved and there is a small physicochemical difference between methionine and isoleucine. This variant is not present in population databases (ExAC no frequency). This variant has not been reported in the literature in individuals with TBX1-related disease. Algorithms developed to predict the effect of missense changes on protein structure and function (SIFT, PolyPhen-2, Align-GVGD) all suggest that this variant is likely to be tolerated, but these predictions have not been confirmed by published functional studies and their clinical significance is uncertain. In summary, the available evidence is currently insufficient to determine the role of this variant in disease. Therefore, it has been classified as a Variant of Uncertain Significance.